The following is an entry in ClinVar:

ClinVar aggregate classification (germline): Uncertain significance. Review status: criteria provided, multiple submitters, no conflicts (2 of 4 stars). 2 submissions from 2 submitters: Uncertain significance (2). Last evaluated 2024-10-04.

Conditions:
Inborn genetic diseases. Identifiers: MedGen C0950123, MeSH D030342.

Allele frequency attached by ClinVar (database versions not stated): gnomAD exomes 0.00002; ExAC 0.00003.
gnomAD v4.1: 9 of 1,614,176 alleles (0.00056%); highest among the groups gnomAD compares: Non-Finnish European, 0.00076%; no homozygotes.

Submissions (2):

Ambry Genetics
Classification: Uncertain significance for Inborn genetic diseases. Last evaluated: 2024-10-04. Review status: criteria provided, single submitter. Criteria: Ambry Variant Classification Scheme 2023. Collection method: clinical testing. Allele origin: germline.
Comment: The p.Q99L variant (also known as c.296A>T), located in coding exon 1 of the SAMD9 gene, results from an A to T substitution at nucleotide position 296. The glutamine at codon 99 is replaced by leucine, an amino acid with dissimilar properties. This amino acid position is conserved. In addition, this alteration is predicted to be tolerated by in silico analysis. Based on the available evidence, the clinical significance of this variant remains unclear.

Labcorp Genetics (formerly Invitae), Labcorp
Classification: Uncertain significance. Last evaluated: 2021-09-01. Review status: criteria provided, single submitter. Criteria: Invitae Variant Classification Sherloc (09022015). Collection method: clinical testing. Allele origin: germline.
Comment: This sequence change replaces glutamine with leucine at codon 99 of the SAMD9 protein (p.Gln99Leu). The glutamine residue is weakly conserved and there is a moderate physicochemical difference between glutamine and leucine. This variant is present in population databases (rs771959603, ExAC 0.006%). This variant has not been reported in the literature in individuals affected with SAMD9-related conditions. Algorithms developed to predict the effect of missense changes on protein structure and function are either unavailable or do not agree on the potential impact of this missense change (SIFT: "Deleterious"; PolyPhen-2: "Possibly Damaging"; Align-GVGD: "Class C0"). In summary, the available evidence is currently insufficient to determine the role of this variant in disease. Therefore, it has been classified as a Variant of Uncertain Significance.

NM_017654.4(SAMD9):c.296A>T (p.Gln99Leu)

Gene: SAMD9 (sterile alpha motif domain containing 9; minus strand). Cytogenetic location: 7q21.2.
Variant type: single nucleotide variant.
Coding change: c.296A>T on transcript NM_017654.4 (MANE Select); coding-DNA position 296, A replaced by T.
Protein change: p.Gln99Leu; replaces glutamine 99 with leucine.
Molecular consequence: missense variant.
Genome position (GRCh38, 1-based): chr7:93,105,802, T>A on the plus strand (A>T on the coding strand, the complement: SAMD9 is on the minus strand). VCF-style: chr7-93105802-T-A. GRCh37 (hg19) VCF-style: chr7-92735115-T-A.
Other names: c.296A>T, p.Gln99Leu (NM_001193307.2); c.296A>T (NM_017654.3); short protein forms Q99L.
Identifiers: ClinVar variation 1479477 (VCV001479477.6), dbSNP rs771959603, ClinGen allele CA4343175.
Genomic context (GRCh38, chr7:93,105,802, plus strand): 5'-TTCTCTTTACCCTTTTGTTTTTGCTTTGAAGTTTCTCTACGTTCCTTTTGAGACACAGTT[T>A]GGTCTTTAGGAGCATTTTTACTGGGCTTTCCCATCTTAGATGTCTGAATCGAATCTTCAA-3'
Protein context (NP_060124.2, residues 89-109): GKPSKNAPKD[Gln99Leu]TVSQKERRET